The following is an entry in ClinVar:

NM_017763.6(RNF43):c.1214T>C (p.Leu405Pro)

Gene: RNF43 (ring finger protein 43; minus strand). Cytogenetic location: 17q22.
Variant type: single nucleotide variant.
Coding change: c.1214T>C on transcript NM_017763.6 (MANE Select); coding-DNA position 1214, T replaced by C.
Protein change: p.Leu405Pro; replaces leucine 405 with proline.
Molecular consequence: missense variant.
Genome position (GRCh38, 1-based): chr17:58,358,562, A>G on the plus strand (T>C on the coding strand, the complement: RNF43 is on the minus strand). VCF-style: chr17-58358562-A-G. GRCh37 (hg19) VCF-style: chr17-56435923-A-G.
Other names: c.1214T>C, p.Leu405Pro (NM_001305544.3); c.833T>C, p.Leu278Pro (NM_001305545.2); short protein forms L405P, L278P.
Identifiers: ClinVar variation 3946931 (VCV003946931.1).
Genomic context (GRCh38, chr17:58,358,562, plus strand): 5'-GAGGTGGATTGGAGGTGGCTCAGTCCCCAGCCTTGTGCATAGGGGTGCTGGGCTCCTGCC[A>G]GGCGCTGCTGCTCTCCTGGAGCCCGGGGATGTGCAGCTCTGGGGAAGCGGTGATGCCGAG-3'
Protein context (NP_060233.3, residues 395-415): HPRAPGEQQR[Leu405Pro]AGAQHPYAQG

ClinVar aggregate classification (germline): Uncertain significance (1 of 4 stars; one submission).

Submission:

Ambry Genetics
Classification: Uncertain significance. Last evaluated: 2025-06-03. Review status: criteria provided, single submitter. Criteria: Ambry Variant Classification Scheme 2023. Collection method: clinical testing. Allele origin: germline.
Comment: The p.L405P variant (also known as c.1214T>C), located in coding exon 8 of the RNF43 gene, results from a T to C substitution at nucleotide position 1214. The leucine at codon 405 is replaced by proline, an amino acid with similar properties. This amino acid position is conserved. In addition, this alteration is predicted to be tolerated by in silico analysis. Based on the available evidence, the clinical significance of this variant remains unclear.